The following is an entry in ClinVar:

NM_000542.5(SFTPB):c.272C>A (p.Thr91Lys)

Gene: SFTPB (surfactant protein B; minus strand). Cytogenetic location: 2p11.2.
Variant type: single nucleotide variant.
Coding change: c.272C>A on transcript NM_000542.5 (MANE Select); coding-DNA position 272, C replaced by A.
Protein change: p.Thr91Lys; replaces threonine 91 with lysine.
Molecular consequence: missense variant.
Genome position (GRCh38, 1-based): chr2:85,666,738, G>T on the plus strand (C>A on the coding strand, the complement: SFTPB is on the minus strand). VCF-style: chr2-85666738-G-T. GRCh37 (hg19) VCF-style: chr2-85893861-G-T.
Other names: c.272C>A, p.Thr91Lys (NM_001367281.2, NM_198843.4); short protein forms T91K.
Identifiers: ClinVar variation 2722705 (VCV002722705.3), dbSNP rs45488101, ClinGen allele CA1744105.
Genomic context (GRCh38, chr2:85,666,738, plus strand): 5'-TGGGGCATGAGCAGCTTCAAGGGGAGGACGTTGCACTCCTGCTCCAGGAACTTCCTCATC[G>T]TGTCCTGGGAGGCCAGAGGGGGCCGTCAGCTGGGCCTCTCTGAGGTCTACCCCGCCCAAG-3'
Protein context (NP_000533.4, residues 81-101): KMAKEAIFQD[Thr91Lys]MRKFLEQECN

ClinVar aggregate classification (germline): Uncertain significance (1 of 4 stars; one submission).

Submission:

Labcorp Genetics (formerly Invitae), Labcorp
Classification: Uncertain significance. Last evaluated: 2023-09-05. Review status: criteria provided, single submitter. Criteria: Invitae Variant Classification Sherloc (09022015). Collection method: clinical testing. Allele origin: germline.
Comment: In summary, the available evidence is currently insufficient to determine the role of this variant in disease. Therefore, it has been classified as a Variant of Uncertain Significance. Advanced modeling of protein sequence and biophysical properties (such as structural, functional, and spatial information, amino acid conservation, physicochemical variation, residue mobility, and thermodynamic stability) performed at Invitae indicates that this missense variant is not expected to disrupt SFTPB protein function. This variant has not been reported in the literature in individuals affected with SFTPB-related conditions. The frequency data for this variant in the population databases is considered unreliable, as metrics indicate poor data quality at this position in the gnomAD database. This sequence change replaces threonine, which is neutral and polar, with lysine, which is basic and polar, at codon 103 of the SFTPB protein (p.Thr103Lys).